The following is an entry in ClinVar:

ClinVar aggregate classification (germline): Uncertain significance (1 of 4 stars; one submission).

Conditions:
Baller-Gerold syndrome (BGS). Also called: CRANIOSYNOSTOSIS WITH RADIAL DEFECTS. Identifiers: Orphanet 1225, MedGen C0265308, MONDO:0009039, OMIM 218600.

Submission:

Labcorp Genetics (formerly Invitae), Labcorp
Classification: Uncertain significance for Baller-Gerold syndrome. Last evaluated: 2021-11-06. Review status: criteria provided, single submitter. Criteria: Invitae Variant Classification Sherloc (09022015). Collection method: clinical testing. Allele origin: germline.
Comment: This variant, c.2474_2476del, results in the deletion of 1 amino acid(s) of the RECQL4 protein (p.Leu825del), but otherwise preserves the integrity of the reading frame. This variant is not present in population databases (gnomAD no frequency). This variant has not been reported in the literature in individuals affected with RECQL4-related conditions. Experimental studies and prediction algorithms are not available or were not evaluated, and the functional significance of this variant is currently unknown. In summary, the available evidence is currently insufficient to determine the role of this variant in disease. Therefore, it has been classified as a Variant of Uncertain Significance.

NM_004260.4(RECQL4):c.2474_2476del (p.Leu825del)

Gene: RECQL4 (RecQ like helicase 4; minus strand). Cytogenetic location: 8q24.3.
Variant type: Deletion.
Coding change: c.2474_2476del on transcript NM_004260.4 (MANE Select); coding-DNA positions 2474 to 2476, 3 bases deleted (TGC; older notation c.2474_2476delTGC).
Protein change: p.Leu825del; deletes leucine 825.
Molecular consequence: inframe deletion.
Genome position (GRCh38, 1-based): chr8:144,513,126-144,513,128, GCA deleted on the plus strand (TGC on the coding strand, the reverse complement: RECQL4 is on the minus strand); deleting any 3 consecutive bases within chr8:144,513,126-144,513,129 gives the same sequence; the c. name uses the placement nearest the transcript's 3' end. VCF-style (leftmost placement, unchanged base first): chr8-144513125-CGCA-C. GRCh37 (hg19) VCF-style: chr8-145738508-CGCA-C.
Other names: short protein forms L825del.
Identifiers: ClinVar variation 1414062 (VCV001414062.6), dbSNP rs2130673988, ClinGen allele CA2573143072.